The following is an entry in ClinVar:

ClinVar aggregate classification (germline): Uncertain significance. Review status: criteria provided, multiple submitters, no conflicts (2 of 4 stars). 2 submissions from 2 submitters: Uncertain significance (2). Last evaluated 2022-12-13.

Conditions:
Inborn genetic diseases. Identifiers: MedGen C0950123, MeSH D030342.

Submissions (2):

GeneDx
Classification: Uncertain significance. Last evaluated: 2022-12-13. Review status: criteria provided, single submitter. Criteria: GeneDx Variant Classification Process June 2021. Collection method: clinical testing. Allele origin: germline. Affected: yes.
Comment: Not observed at significant frequency in large population cohorts (gnomAD); In silico analysis supports that this missense variant has a deleterious effect on protein structure/function; Has not been previously published as pathogenic or benign to our knowledge

Ambry Genetics
Classification: Uncertain significance for Inborn genetic diseases. Last evaluated: 2019-02-19. Review status: criteria provided, single submitter. Criteria: Ambry exome assertion method (8-5-2015). Collection method: clinical testing. Allele origin: germline. Affected: yes. Observed: 1 variant allele.

NM_021074.5(NDUFV2):c.680C>T (p.Pro227Leu)

Genes: NDUFV2 (NADH:ubiquinone oxidoreductase core subunit V2; plus strand), NDUFV2-AS1 (NDUFV2 antisense RNA 1; minus strand). Cytogenetic location: 18p11.22.
Variant type: single nucleotide variant.
Coding change: c.680C>T on transcript NM_021074.5 (MANE Select); coding-DNA position 680, C replaced by T.
Protein change: p.Pro227Leu; replaces proline 227 with leucine.
Molecular consequence: missense variant.
Genome position (GRCh38, 1-based): chr18:9,134,209, C>T. VCF-style: chr18-9134209-C-T. GRCh37 (hg19) VCF-style: chr18-9134207-C-T.
Other names: c.680C>T (NM_021074.3); short protein forms P227L.
Identifiers: ClinVar variation 985293 (VCV000985293.4), dbSNP rs2078064677, ClinGen allele CA401859569.